The following is an entry in ClinVar:

ClinVar aggregate classification (germline): Uncertain significance (1 of 4 stars; one submission).

gnomAD v4.1: 3 of 1,614,020 alleles (0.00019%); highest among the groups gnomAD compares: Non-Finnish European, 0.00025%; no homozygotes.

Submission:

GeneDx
Classification: Uncertain significance. Last evaluated: 2026-03-26. Review status: criteria provided, single submitter. Criteria: GeneDx Variant Classification Process June 2021. Collection method: clinical testing. Allele origin: germline.
Comment: Not observed at significant frequency in large population cohorts (gnomAD); In silico analysis supports that this missense variant has a deleterious effect on protein structure/function; Has not been previously published as pathogenic or benign to our knowledge

NM_015001.3(SPEN):c.991C>A (p.Pro331Thr)

Gene: SPEN (spen family transcriptional repressor; plus strand). Cytogenetic location: 1p36.13.
Variant type: single nucleotide variant.
Coding change: c.991C>A on transcript NM_015001.3 (MANE Select); coding-DNA position 991, C replaced by A.
Protein change: p.Pro331Thr; replaces proline 331 with threonine.
Molecular consequence: missense variant.
Genome position (GRCh38, 1-based): chr1:15,909,430, C>A. VCF-style: chr1-15909430-C-A. GRCh37 (hg19) VCF-style: chr1-16235925-C-A.
Other names: short protein forms P331T.
Identifiers: ClinVar variation 3366202 (VCV003366202.2).